The following is an entry in ClinVar:

NM_001352754.2(ARMC9):c.1432T>C (p.Tyr478His)

Gene: ARMC9 (armadillo repeat containing 9; plus strand). Cytogenetic location: 2q37.1.
Variant type: single nucleotide variant.
Coding change: c.1432T>C on transcript NM_001352754.2 (MANE Select); coding-DNA position 1432, T replaced by C.
Protein change: p.Tyr478His; replaces tyrosine 478 with histidine.
Molecular consequence: missense variant. On other transcripts: non-coding transcript variant (1).
Genome position (GRCh38, 1-based): chr2:231,276,733, T>C. VCF-style: chr2-231276733-T-C. GRCh37 (hg19) VCF-style: chr2-232141446-T-C.
Other names: c.1432T>C, p.Tyr478His (NM_001271466.4, NM_001291656.2, NM_001352755.2 and 3 more transcripts); c.1333T>C, p.Tyr445His (NM_001352757.2, NM_001352758.2); short protein forms Y445H, Y478H.
Identifiers: ClinVar variation 963684 (VCV000963684.5), dbSNP rs1317882155, ClinGen allele CA350955801.
Genomic context (GRCh38, chr2:231,276,733, plus strand): 5'-ATCTTCTGGCTGGTTGATGTTCTGAAGGACCCTGACTGCCTGTCTGACTACACGCTGGAG[T>C]ACTCGGTGGCTTTGCTCATGAACCTCTGCCTCCGCAGCACAGGTCTCAGCCCCGACCCTC-3'
Protein context (NP_001339683.2, residues 468-488): PDCLSDYTLE[Tyr478His]SVALLMNLCL

ClinVar aggregate classification (germline): Uncertain significance (1 of 4 stars; one submission).

Allele frequency attached by ClinVar (database versions not stated): gnomAD exomes below 0.00001; gnomAD 0.00001.
gnomAD v4.1: 1 of 1,614,120 alleles (0.000062%); highest among the groups gnomAD compares: Admixed American, 0.0017%; no homozygotes.

Submission:

Labcorp Genetics (formerly Invitae), Labcorp
Classification: Uncertain significance. Last evaluated: 2022-03-10. Review status: criteria provided, single submitter. Criteria: Invitae Variant Classification Sherloc (09022015). Collection method: clinical testing. Allele origin: germline.
Comment: This sequence change replaces tyrosine, which is neutral and polar, with histidine, which is basic and polar, at codon 478 of the ARMC9 protein (p.Tyr478His). This variant is present in population databases (no rsID available, gnomAD 0.1%). This variant has not been reported in the literature in individuals affected with ARMC9-related conditions. ClinVar contains an entry for this variant (Variation ID: 963684). In summary, the available evidence is currently insufficient to determine the role of this variant in disease. Therefore, it has been classified as a Variant of Uncertain Significance.